The following is an entry in ClinVar:

ClinVar aggregate classification (germline): Uncertain significance (1 of 4 stars; one submission).

Submission:

Labcorp Genetics (formerly Invitae), Labcorp
Classification: Uncertain significance. Last evaluated: 2025-02-17. Review status: criteria provided, single submitter. Criteria: Invitae Variant Classification Sherloc (09022015). Collection method: clinical testing. Allele origin: germline.
Comment: This sequence change replaces alanine, which is neutral and non-polar, with threonine, which is neutral and polar, at codon 269 of the THBD protein (p.Ala269Thr). This variant is not present in population databases (gnomAD no frequency). This variant has not been reported in the literature in individuals affected with THBD-related conditions. Invitae Evidence Modeling of protein sequence and biophysical properties (such as structural, functional, and spatial information, amino acid conservation, physicochemical variation, residue mobility, and thermodynamic stability) indicates that this missense variant is not expected to disrupt THBD protein function with a negative predictive value of 80%. In summary, the available evidence is currently insufficient to determine the role of this variant in disease. Therefore, it has been classified as a Variant of Uncertain Significance.

NM_000361.3(THBD):c.805G>A (p.Ala269Thr)

Gene: THBD (thrombomodulin; minus strand). Cytogenetic location: 20p11.21.
Variant type: single nucleotide variant.
Coding change: c.805G>A on transcript NM_000361.3 (MANE Select); coding-DNA position 805, G replaced by A.
Protein change: p.Ala269Thr; replaces alanine 269 with threonine.
Molecular consequence: missense variant.
Genome position (GRCh38, 1-based): chr20:23,048,700, C>T on the plus strand (G>A on the coding strand, the complement: THBD is on the minus strand). VCF-style: chr20-23048700-C-T. GRCh37 (hg19) VCF-style: chr20-23029337-C-T.
Other names: short protein forms A269T.
Identifiers: ClinVar variation 3617871 (VCV003617871.2).